The following is an entry in ClinVar:

ClinVar aggregate classification (germline): Uncertain significance (1 of 4 stars; one submission).

Conditions:
Hereditary cancer-predisposing syndrome. Also called: Tumor predisposition; Neoplastic Syndromes, Hereditary; Hereditary Cancer Syndrome; Hereditary neoplastic syndrome. Identifiers: Orphanet 140162, MedGen C0027672, MeSH D009386, MONDO:0015356.

Submission:

Ambry Genetics
Classification: Uncertain significance for Hereditary cancer-predisposing syndrome. Last evaluated: 2024-12-12. Review status: criteria provided, single submitter. Criteria: Ambry Variant Classification Scheme 2023. Collection method: clinical testing. Allele origin: germline.
Comment: The p.Q171R variant (also known as c.512A>G), located in coding exon 1 of the MET gene, results from an A to G substitution at nucleotide position 512. The glutamine at codon 171 is replaced by arginine, an amino acid with highly similar properties. This amino acid position is conserved. In addition, this alteration is predicted to be tolerated by in silico analysis. Based on the available evidence, the clinical significance of this variant remains unclear.

NM_000245.4(MET):c.512A>G (p.Gln171Arg)

Gene: MET (MET proto-oncogene, receptor tyrosine kinase; plus strand). Cytogenetic location: 7q31.2.
Variant type: single nucleotide variant.
Coding change: c.512A>G on transcript NM_000245.4 (MANE Select); coding-DNA position 512, A replaced by G.
Protein change: p.Gln171Arg; replaces glutamine 171 with arginine.
Molecular consequence: missense variant. On other transcripts: intron variant (1).
Genome position (GRCh38, 1-based): chr7:116,699,596, A>G. VCF-style: chr7-116699596-A-G. GRCh37 (hg19) VCF-style: chr7-116339650-A-G.
Other names: c.512A>G, p.Gln171Arg (NM_001127500.3, NM_001324401.3); c.-91+27019A>G (NM_001324402.2); short protein forms Q171R.
Identifiers: ClinVar variation 3872348 (VCV003872348.1).